The following is an entry in ClinVar:

ClinVar aggregate classification (germline): Uncertain significance. Review status: criteria provided, multiple submitters, no conflicts (2 of 4 stars). 3 submissions from 3 submitters: Uncertain significance (2). 1 of the submissions does not count toward it. Last evaluated 2024-07-15.

Conditions:
Hereditary cancer-predisposing syndrome. Also called: Hereditary Cancer Syndrome; Hereditary neoplastic syndrome; Neoplastic Syndromes, Hereditary; Tumor predisposition. Identifiers: Orphanet 140162, MedGen C0027672, MeSH D009386, MONDO:0015356.
Bloom syndrome (BLM). Also called: Bloom-Torre-Machacek syndrome. Identifiers: Orphanet 125, MedGen C0005859, MONDO:0008876, OMIM 210900.

Submissions (3):

Labcorp Genetics (formerly Invitae), Labcorp
Classification: Uncertain significance for Bloom syndrome. Last evaluated: 2024-07-15. Review status: criteria provided, single submitter. Criteria: Invitae Variant Classification Sherloc (09022015). Collection method: clinical testing. Allele origin: germline.
Comment: This sequence change replaces leucine, which is neutral and non-polar, with tryptophan, which is neutral and slightly polar, at codon 208 of the BLM protein (p.Leu208Trp). This variant is not present in population databases (gnomAD no frequency). This variant has not been reported in the literature in individuals affected with BLM-related conditions. ClinVar contains an entry for this variant (Variation ID: 454159). An algorithm developed to predict the effect of missense changes on protein structure and function (PolyPhen-2) suggests that this variant is likely to be disruptive. In summary, the available evidence is currently insufficient to determine the role of this variant in disease. Therefore, it has been classified as a Variant of Uncertain Significance.

Ambry Genetics
Classification: Uncertain significance for Hereditary cancer-predisposing syndrome. Last evaluated: 2023-09-28. Review status: criteria provided, single submitter. Criteria: Ambry Variant Classification Scheme 2023. Collection method: clinical testing. Allele origin: germline.
Comment: The p.L208W variant (also known as c.623T>G), located in coding exon 2 of the BLM gene, results from a T to G substitution at nucleotide position 623. The leucine at codon 208 is replaced by tryptophan, an amino acid with similar properties. This amino acid position is poorly conserved in available vertebrate species. In addition, this alteration is predicted to be tolerated by in silico analysis. Since supporting evidence is limited at this time, the clinical significance of this alteration remains unclear.

Natera, Inc.
Classification: Uncertain significance for Bloom syndrome. Last evaluated: 2025-02-14. Review status: no assertion criteria provided. Collection method: clinical testing. Allele origin: germline. Not counted in ClinVar's aggregate classification.

NM_000057.4(BLM):c.623T>G (p.Leu208Trp)

Gene: BLM (BLM RecQ like helicase; plus strand). Cytogenetic location: 15q26.1.
Variant type: single nucleotide variant.
Coding change: c.623T>G on transcript NM_000057.4 (MANE Select); coding-DNA position 623, T replaced by G.
Protein change: p.Leu208Trp; replaces leucine 208 with tryptophan.
Molecular consequence: missense variant. On other transcripts: 5 prime UTR variant (1).
Genome position (GRCh38, 1-based): chr15:90,749,891, T>G. VCF-style: chr15-90749891-T-G. GRCh37 (hg19) VCF-style: chr15-91293121-T-G.
Other names: c.623T>G, p.Leu208Trp (NM_001287246.2, NM_001287247.2); c.-669T>G (NM_001287248.2); short protein forms L208W.
Identifiers: ClinVar variation 454159 (VCV000454159.10), dbSNP rs1555418411, ClinGen allele CA393841195.